The following is an entry in ClinVar:

ClinVar aggregate classification (germline): Uncertain significance (1 of 4 stars; one submission).

Allele frequency attached by ClinVar (database versions not stated): gnomAD exomes 0.00001; gnomAD 0.00002 and 0.00003.
gnomAD v4.1: 8 of 1,613,944 alleles (0.0005%); highest among the groups gnomAD compares: Admixed American, 0.0083%; no homozygotes.

Submission:

Labcorp Genetics (formerly Invitae), Labcorp
Classification: Uncertain significance. Last evaluated: 2024-11-11. Review status: criteria provided, single submitter. Criteria: Invitae Variant Classification Sherloc (09022015). Collection method: clinical testing. Allele origin: germline.
Comment: This sequence change replaces glutamine with glutamic acid at codon 162 of the CLPX protein (p.Gln162Glu). The glutamine residue is moderately conserved and there is a small physicochemical difference between glutamine and glutamic acid. This variant is present in population databases (no rsID available, gnomAD 0.006%). This variant has not been reported in the literature in individuals affected with CLPX-related conditions. ClinVar contains an entry for this variant (Variation ID: 1486846). Invitae Evidence Modeling of protein sequence and biophysical properties (such as structural, functional, and spatial information, amino acid conservation, physicochemical variation, residue mobility, and thermodynamic stability) indicates that this missense variant is not expected to disrupt CLPX protein function with a negative predictive value of 80%. In summary, the available evidence is currently insufficient to determine the role of this variant in disease. Therefore, it has been classified as a Variant of Uncertain Significance.

NM_006660.5(CLPX):c.484C>G (p.Gln162Glu)

Gene: CLPX (caseinolytic mitochondrial matrix peptidase chaperone subunit X; minus strand). Cytogenetic location: 15q22.31.
Variant type: single nucleotide variant.
Coding change: c.484C>G on transcript NM_006660.5 (MANE Select); coding-DNA position 484, C replaced by G.
Protein change: p.Gln162Glu; replaces glutamine 162 with glutamic acid.
Molecular consequence: missense variant. On other transcripts: non-coding transcript variant (1).
Genome position (GRCh38, 1-based): chr15:65,166,660, G>C on the plus strand (C>G on the coding strand, the complement: CLPX is on the minus strand). VCF-style: chr15-65166660-G-C. GRCh37 (hg19) VCF-style: chr15-65458998-G-C.
Other names: short protein forms Q162E.
Identifiers: ClinVar variation 1486846 (VCV001486846.8), dbSNP rs1220437534, ClinGen allele CA392878822.
Genomic context (GRCh38, chr15:65,166,660, plus strand): 5'-ATACTTGTAAGACTGAGCTTAAGACTTATACCTTCTTAGGGGGAGGTGGTGGTTTCTGTT[G>C]GAATGCCAATTTTACAGCTTCTGCTGCTGATTCAGGTTCTTTAATTATGCTTTTCTTTGA-3'
Protein context (NP_006651.2, residues 152-172): SAAEAVKLAF[Gln162Glu]QKPPPPPKKI